The following is an entry in ClinVar:

ClinVar aggregate classification (germline): Benign. Review status: criteria provided, multiple submitters, no conflicts (2 of 4 stars). 6 submissions from 6 submitters: Benign (4). 2 of the submissions do not count toward it. Last evaluated 2026-02-10.

Conditions:
Hereditary xanthinuria type 1 (XAN1). Identifiers: Orphanet 3467, Orphanet 93601, MedGen C0268118, MONDO:0010209, OMIM 278300.
XDH-related disorder. Also called: XDH-related condition.
Xanthinuria type II. Also called: Xanthine dehydrogenase and aldehyde oxidase combined deficiency of; XDH and AOX dual deficiency. Identifiers: Orphanet 3467, Orphanet 93602, MedGen C1863688, MONDO:0011346, OMIM 603592.

Allele frequency attached by ClinVar (database versions not stated): gnomAD 0.00060 and 0.00109; gnomAD exomes 0.00102 and 0.00200; TOPMed 0.00105; ExAC 0.00217; 1000 Genomes Project 30x 0.00484; 1000 Genomes Project 0.00539.
gnomAD v4.1: 1,644 of 1,614,116 alleles (0.1%); highest among the groups gnomAD compares: East Asian, 3.3%; 25 homozygotes.

Submissions (6):

PreventionGenetics, part of Exact Sciences
Classification: Benign for XDH-related condition. Last evaluated: 2026-02-10. Review status: criteria provided, single submitter. Criteria: ACMG Guidelines, 2015. Collection method: clinical testing. Allele origin: germline.
Comment: This variant is classified as benign based on ACMG/AMP sequence variant interpretation guidelines (Richards et al. 2015 PMID: 25741868, with internal and published modifications).

Labcorp Genetics (formerly Invitae), Labcorp
Classification: Benign for Xanthinuria type II. Last evaluated: 2025-11-06. Review status: criteria provided, single submitter. Criteria: Invitae Variant Classification Sherloc (09022015). Collection method: clinical testing. Allele origin: germline.

Genome-Nilou Lab
Classification: Benign for Hereditary xanthinuria type 1. Last evaluated: 2021-12-05. Review status: criteria provided, single submitter. Criteria: ACMG Guidelines, 2015. Collection method: clinical testing. Allele origin: germline. Affected: no.

Illumina Laboratory Services, Illumina
Classification: Benign for Hereditary xanthinuria type 1. Last evaluated: 2017-04-27. Review status: criteria provided, single submitter. Criteria: ICSL Variant Classification Criteria 13 December 2019. Collection method: clinical testing. Allele origin: germline.
Comment: This variant was observed as part of a predisposition screen in an ostensibly healthy population. A literature search was performed for the gene, cDNA change, and amino acid change (where applicable). Publications were found based on this search. The evidence from the literature, in combination with allele frequency data from public databases where available, was sufficient to rule this variant out of causing disease. Therefore, this variant is classified as benign.

Clinical Genetics DNA and cytogenetics Diagnostics Lab, Erasmus MC, Erasmus Medical Center
Classification: Benign. Review status: no assertion criteria provided. Collection method: clinical testing. Allele origin: germline. Affected: yes. Study: VKGL Data-share Consensus. Not counted in ClinVar's aggregate classification.

Genome Diagnostics Laboratory, University Medical Center Utrecht
Classification: Benign. Review status: no assertion criteria provided. Collection method: clinical testing. Allele origin: germline. Affected: yes. Study: VKGL Data-share Consensus. Not counted in ClinVar's aggregate classification.

Literature cited by the submitters: PubMed 18300946 (cited by Illumina Laboratory Services, Illumina); PubMed 18712049 (cited by Illumina Laboratory Services, Illumina); PubMed 21963464 (cited by Illumina Laboratory Services, Illumina).

NM_000379.4(XDH):c.3326A>C (p.Asn1109Thr)

Gene: XDH (xanthine dehydrogenase; minus strand). Cytogenetic location: 2p23.1.
Variant type: single nucleotide variant.
Coding change: c.3326A>C on transcript NM_000379.4 (MANE Select); coding-DNA position 3326, A replaced by C.
Protein change: p.Asn1109Thr; replaces asparagine 1109 with threonine.
Molecular consequence: missense variant.
Genome position (GRCh38, 1-based): chr2:31,346,794, T>G on the plus strand (A>C on the coding strand, the complement: XDH is on the minus strand). VCF-style: chr2-31346794-T-G. GRCh37 (hg19) VCF-style: chr2-31569660-T-G.
Other names: short protein forms N1109T.
Identifiers: ClinVar variation 896915 (VCV000896915.15), dbSNP rs45547640, ClinGen allele CA1598441.
Genomic context (GRCh38, chr2:31,346,794, plus strand): 5'-CTTTGCAAACGTGACTTGGATCAGCTCAGACTTACCCAGTCTTCCCAGGAGCCACTGGGA[T>G]TCTTCTTCTTGTAGGGTTCCAGCCTTTTCAAGATGGTCTGACAAGCCGCCTAAAGTAAAC-3'
Protein context (NP_000370.2, residues 1099-1119): LKRLEPYKKK[Asn1109Thr]PSGSWEDWVT